The following is an entry in ClinVar:

ClinVar aggregate classification (germline): Uncertain significance (1 of 4 stars; one submission).

Conditions:
Cystic fibrosis (CF). Also called: MUCOVISCIDOSIS. Identifiers: Orphanet 586, MedGen C0010674, MONDO:0009061, OMIM 219700. Disease mechanism: loss of function.

Submission:

Labcorp Genetics (formerly Invitae), Labcorp
Classification: Uncertain significance for Cystic fibrosis. Last evaluated: 2022-03-10. Review status: criteria provided, single submitter. Criteria: Invitae Variant Classification Sherloc (09022015). Collection method: clinical testing. Allele origin: germline.
Comment: In summary, the available evidence is currently insufficient to determine the role of this variant in disease. Therefore, it has been classified as a Variant of Uncertain Significance. Algorithms developed to predict the effect of missense changes on protein structure and function output the following: SIFT: "Tolerated"; PolyPhen-2: "Benign"; Align-GVGD: "Class C0". The valine amino acid residue is found in multiple mammalian species, which suggests that this missense change does not adversely affect protein function. This variant has not been reported in the literature in individuals affected with CFTR-related conditions. This variant is not present in population databases (gnomAD no frequency). This sequence change replaces isoleucine, which is neutral and non-polar, with valine, which is neutral and non-polar, at codon 1383 of the CFTR protein (p.Ile1383Val).

NM_000492.4(CFTR):c.4147A>G (p.Ile1383Val)

Gene: CFTR (CF transmembrane conductance regulator; plus strand). Cytogenetic location: 7q31.2.
Variant type: single nucleotide variant.
Coding change: c.4147A>G on transcript NM_000492.4 (MANE Select); coding-DNA position 4147, A replaced by G.
Protein change: p.Ile1383Val; replaces isoleucine 1383 with valine.
Molecular consequence: missense variant.
Genome position (GRCh38, 1-based): chr7:117,665,469, A>G. VCF-style: chr7-117665469-A-G. GRCh37 (hg19) VCF-style: chr7-117305523-A-G.
Other names: short protein forms I1383V.
Identifiers: ClinVar variation 2108240 (VCV002108240.4), dbSNP rs2485182987, ClinGen allele CA368983351.